The following is an entry in ClinVar:

ClinVar aggregate classification (germline): Uncertain significance (1 of 4 stars; one submission).

Submission:

GeneDx
Classification: Uncertain significance. Last evaluated: 2024-08-07. Review status: criteria provided, single submitter. Criteria: GeneDx Variant Classification Process June 2021. Collection method: clinical testing. Allele origin: germline. Affected: yes.
Comment: Not observed at significant frequency in large population cohorts (gnomAD); Has not been previously published as pathogenic or benign to our knowledge; Frameshift variant predicted to result in protein truncation or nonsense mediated decay in a gene for which loss-of-function is not a known mechanism of disease

NM_004304.5(ALK):c.3995_3996insTCATTTCTCTAAAATGAAATGACTGGTGTCTCCATTTGCCCATATG (p.Ser1332_Lys1333insHisPheSerLysMetLysTer)

Gene: ALK (ALK receptor tyrosine kinase; minus strand). Cytogenetic location: 2p23.2.
Variant type: Insertion.
Coding change: c.3995_3996insTCATTTCTCTAAAATGAAATGACTGGTGTCTCCATTTGCCCATATG on transcript NM_004304.5 (MANE Select); coding-DNA positions 3995 to 3996, TCATTTCTCTAAAATGAAATGACTGGTGTCTCCATTTGCCCATATG inserted.
Protein change: p.Ser1332_Lys1333insHisPheSerLysMetLysTer.
Molecular consequence: nonsense, inframe insertion.
Genome position: GRCh38: chr2:29,197,620-29,197,621. GRCh37 (hg19): chr2:29,420,486-29,420,487.
Other names: c.791_792insTCATTTCTCTAAAATGAAATGACTGGTGTCTCCATTTGCCCATATG, p.Ser264_Lys265insHisPheSerLysMetLysTer (NM_001353765.2).
Identifiers: ClinVar variation 3603105 (VCV003603105.1).